The following is an entry in ClinVar:

ClinVar aggregate classification (germline): Benign. Review status: criteria provided, multiple submitters, no conflicts (2 of 4 stars). 8 submissions from 8 submitters: Benign (8). Last evaluated 2026-02-04.

Conditions:
Ichthyosis linearis circumflexa. Identifiers: MedGen C0265962, MONDO:0043106, HP:0025810.
Netherton syndrome (NETH). Also called: ERYTHRODERMA, ICHTHYOSIFORM, WITH HYPOTRICHOSIS AND HYPER-IgE; COMEL-NETHERTON SYNDROME; NETHERTON DISEASE. Identifiers: Orphanet 634, MedGen C5574950, MONDO:0009735, OMIM 256500.

Allele frequency attached by ClinVar (database versions not stated): ESP Exome Variant Server 0.70858; gnomAD exomes 0.78792; TOPMed 0.78833; ExAC 0.80848; 1000 Genomes Project 0.82927; 1000 Genomes Project 30x 0.82964.
gnomAD v4.1: 1,163,799 of 1,527,408 alleles (76%); highest among the groups gnomAD compares: East Asian, 90%; 444,753 homozygotes.

Submissions (11):

Labcorp Genetics (formerly Invitae), Labcorp
Classification: Benign for Ichthyosis linearis circumflexa. Last evaluated: 2026-02-04. Review status: criteria provided, single submitter. Criteria: Invitae Variant Classification Sherloc (09022015). Collection method: clinical testing. Allele origin: germline.

Women's Health and Genetics/Laboratory Corporation of America, LabCorp
Classification: Benign. Last evaluated: 2026-01-21. Review status: criteria provided, single submitter. Criteria: LabCorp Variant Classification Summary - May 2015. Collection method: clinical testing. Allele origin: germline.

Blueprint Genetics
Classification: Benign. Last evaluated: 2024-11-26. Review status: criteria provided, single submitter. Criteria: ACMG Guidelines, 2015. Collection method: clinical testing. Allele origin: germline.

Unidad de Genómica Garrahan, Hospital de Pediatría Garrahan
Classification: Benign. Last evaluated: 2024-01-24. Review status: criteria provided, single submitter. Criteria: ACMG Guidelines, 2015. Collection method: clinical testing. Allele origin: germline. Affected: no. Observed: 83 variant alleles.
Comment: This variant is classified as Benign based on local population frequency. This variant was detected in 94% of patients studied by a panel of primary immunodeficiencies. Number of patients: 83. Only high quality variants are reported.

Genome-Nilou Lab
Classification: Benign for Netherton syndrome. Last evaluated: 2021-07-15. Review status: criteria provided, single submitter. Criteria: ACMG Guidelines, 2015. Collection method: clinical testing. Allele origin: germline. Affected: no.

Illumina Laboratory Services, Illumina
Classification: Benign for Netherton syndrome. Last evaluated: 2018-01-12. Review status: criteria provided, single submitter. Criteria: ICSL Variant Classification Criteria 13 December 2019. Collection method: clinical testing. Allele origin: germline.
Comment: This variant was observed in the ICSL laboratory as part of a predisposition screen in an ostensibly healthy population. It had not been previously curated by ICSL or reported in the Human Gene Mutation Database (HGMD: prior to June 1st, 2018), and was therefore a candidate for classification through an automated scoring system. Utilizing variant allele frequency, disease prevalence and penetrance estimates, and inheritance mode, an automated score was calculated to assess if this variant is too frequent to cause the disease. Based on the score and internal cut-off values, a variant classified as benign is not then subjected to further curation. The score for this variant resulted in a classification of benign for this disease.

Laboratory for Molecular Medicine, Mass General Brigham Personalized Medicine
Classification: Benign. Last evaluated: 2016-03-28. Review status: criteria provided, single submitter. Criteria: LMM Criteria. Collection method: clinical testing. Allele origin: germline.
Comment: Variant identified in a genome or exome case(s) and assessed due to predicted null impact of the variant or pathogenic assertions in the literature or databases. Disclaimer: This variant has not undergone full assessment. The following are preliminary notes: Frequency

PreventionGenetics, part of Exact Sciences
Classification: Benign. Review status: criteria provided, single submitter. Criteria: ACMG Guidelines, 2015. Collection method: clinical testing. Allele origin: germline.

Dr. Peter K. Rogan Lab, Western University
No classification provided (evidence only). Condition: Uterine carcinosarcoma. Review status: no classification provided. Collection method: in vitro. Allele origin: not applicable. Functional consequence: retained intron. Not counted in ClinVar's aggregate classification.

Dr. Peter K. Rogan Lab, Western University
No classification provided (evidence only). Condition: Uterine carcinosarcoma. Review status: no classification provided. Collection method: in vitro. Allele origin: not applicable. Functional consequence: retained intron. Not counted in ClinVar's aggregate classification.

Dr. Peter K. Rogan Lab, Western University
No classification provided (evidence only). Condition: Uterine carcinosarcoma. Review status: no classification provided. Collection method: in vitro. Allele origin: not applicable. Functional consequence: retained intron. Not counted in ClinVar's aggregate classification.

NM_006846.4(SPINK5):c.2667-13A>T

Gene: SPINK5 (serine peptidase inhibitor Kazal type 5; plus strand). Cytogenetic location: 5q32.
Variant type: single nucleotide variant.
Coding change: c.2667-13A>T on transcript NM_006846.4 (MANE Select); 13 bases into the intron before coding-DNA position 2667, A replaced by T.
Molecular consequence: intron variant.
Genome position (GRCh38, 1-based): chr5:148,124,752, A>T. VCF-style: chr5-148124752-A-T. GRCh37 (hg19) VCF-style: chr5-147504315-A-T.
Other names: c.2667-13A>T (NM_001127699.2, NM_001127698.2).
Identifiers: ClinVar variation 139263 (VCV000139263.24), dbSNP rs2052537, ClinGen allele CA293711.
Genomic context (GRCh38, chr5:148,124,752, plus strand): 5'-AATACTTGGTTAAAGACAATTCAGTAACAACCCTTGAAAAATTACCCTATCTTTTTTTTT[A>T]ATTATTCTGCAGTGATCGAGAAGCTAATGAAAGAAAAAAGAAAGATGAAGAGAAATCAAG-3'